The following is an entry in ClinVar:

NM_001754.5(RUNX1):c.694C>T (p.Arg232Trp)

Gene: RUNX1 (RUNX family transcription factor 1; minus strand). Cytogenetic location: 21q22.12.
Variant type: single nucleotide variant.
Coding change: c.694C>T on transcript NM_001754.5 (MANE Select); coding-DNA position 694, C replaced by T.
Protein change: p.Arg232Trp; replaces arginine 232 with tryptophan.
Molecular consequence: missense variant.
Genome position (GRCh38, 1-based): chr21:34,834,521, G>A on the plus strand (C>T on the coding strand, the complement: RUNX1 is on the minus strand). VCF-style: chr21-34834521-G-A. GRCh37 (hg19) VCF-style: chr21-36206818-G-A.
Other names: NM_001754.5(RUNX1):c.694C>T; p.Arg232Trp; c.613C>T, p.Arg205Trp (NM_001001890.3, NM_001122607.2); short protein forms R205W, R232W.
Identifiers: ClinVar variation 2678492 (VCV002678492.4), dbSNP rs2146076101, ClinGen allele CA410206879.

ClinVar aggregate classification (germline): Uncertain significance. Review status: reviewed by expert panel (3 of 4 stars). 3 submissions from 3 submitters: Uncertain significance (1). 2 of the submissions do not count toward it. Last evaluated 2025-01-15.

Conditions:
Acute myeloid leukemia (AML). Also called: Acute myeloid leukemia, adult; AML adult; Acute non-lymphocytic leukemia; Acute granulocytic leukemia; Leukemia, acute myelogenous, somatic; Leukemia, acute myeloid, somatic. Identifiers: Orphanet 519, MedGen C0023467, MeSH D015470, MONDO:0018874, OMIM 601626, HP:0004808. Disease mechanism: Constitutively activated FLT3.
Inborn genetic diseases. Identifiers: MedGen C0950123, MeSH D030342.
Hereditary thrombocytopenia and hematologic cancer predisposition syndrome. Identifiers: Orphanet 71290, MedGen CN281654, MONDO:0011071.

Submissions (3):

ClinGen Myeloid Malignancy Variant Curation Expert Panel
Classification: Uncertain significance for Hereditary thrombocytopenia and hematologic cancer predisposition syndrome. Last evaluated: 2025-01-15. Review status: reviewed by expert panel. Criteria: ClinGen MyeloMalig ACMG Specifications v2. Collection method: curation. Allele origin: germline. Inheritance: Autosomal dominant inheritance.
Comment: NM_001754.5(RUNX1):c.694C>T (p.Arg232Trp) is a missense variant that is completely absent from all population databases with at least 20x coverage for RUNX1 (PM2_Supporting). This variant has been reported in one proband meeting at least one of the RUNX1-phenotypic criteria (PS4_ Supporting; PMID: 33075818 - AML and FPD). In summary, the clinical significance of this variant is uncertain. ACMG/AMP criteria applied, as specified by the Myeloid Malignancy Variant Curation Expert Panel for RUNX1: PM2_Supporting, PS4_Supporting

Ambry Genetics
Classification: Uncertain significance for Inborn genetic diseases. Last evaluated: 2025-10-07. Review status: criteria provided, single submitter. Criteria: Ambry Variant Classification Scheme 2023. Collection method: clinical testing. Allele origin: germline. Not counted in ClinVar's aggregate classification.
Comment: The p.R232W variant (also known as c.694C>T), located in coding exon 6 of the RUNX1 gene, results from a C to T substitution at nucleotide position 694. The arginine at codon 232 is replaced by tryptophan, an amino acid with dissimilar properties. This variant was reported in individual(s) with features consistent with RUNX1 familial platelet disorder with associated myeloid malignancies (Ernst MPT et al. Hemasphere, 2025 Jan;9:e70057). This amino acid position is highly conserved in available vertebrate species. In addition, this alteration is predicted to be deleterious by in silico analysis. Based on the available evidence, the clinical significance of this variant remains unclear.

Baylor Genetics
Classification: Uncertain significance for Acute myeloid leukemia. Last evaluated: 2023-09-18. Review status: criteria provided, single submitter. Criteria: ACMG Guidelines, 2015. Collection method: clinical testing. Allele origin: unknown. Not counted in ClinVar's aggregate classification.

Literature cited by the submitters: PubMed 39822584 (cited by Ambry Genetics).